The following is an entry in ClinVar:

NM_007289.4(MME):c.1265C>A (p.Ala422Asp)

Gene: MME (membrane metalloendopeptidase; plus strand). Cytogenetic location: 3q25.2.
Variant type: single nucleotide variant.
Coding change: c.1265C>A on transcript NM_007289.4 (MANE Select); coding-DNA position 1265, C replaced by A.
Protein change: p.Ala422Asp; replaces alanine 422 with aspartic acid.
Molecular consequence: missense variant.
Genome position (GRCh38, 1-based): chr3:155,143,519, C>A. VCF-style: chr3-155143519-C-A. GRCh37 (hg19) VCF-style: chr3-154861308-C-A.
Other names: c.1265C>A, p.Ala422Asp (NM_000902.5, NM_001354642.2, NM_001354643.1 and 2 more transcripts); short protein forms A422D.
Identifiers: ClinVar variation 265744 (VCV000265744.4), dbSNP rs777476150, ClinGen allele CA2675442.
Genomic context (GRCh38, chr3:155,143,519, plus strand): 5'-CCTCAGAAACAGCAACTTGGAGACGTTGTGCAAACTATGTCAATGGGAATATGGAAAATG[C>A]TGTGGGGAGGCTTTATGTGGAAGCAGCATTTGCTGGAGAGAGTAAACATGTGGTAATGTT-3'
Protein context (NP_009220.2, residues 412-432): ANYVNGNMEN[Ala422Asp]VGRLYVEAAF

ClinVar aggregate classification (germline): Uncertain significance. Review status: criteria provided, multiple submitters, no conflicts (2 of 4 stars). 3 submissions from 3 submitters: Uncertain significance (2). 1 of the submissions does not count toward it. Last evaluated 2022-09-06.

Conditions:
Charcot-Marie-Tooth disease axonal type 2T. Identifiers: Orphanet 443950, MedGen C4015635, OMIM 617017, MONDO:0014866.

Allele frequency attached by ClinVar (database versions not stated): gnomAD 0.00001; TOPMed 0.00001; gnomAD exomes 0.00002; ExAC 0.00003.
gnomAD v4.1: 22 of 1,612,594 alleles (0.0014%); highest among the groups gnomAD compares: Non-Finnish European, 0.0019%; no homozygotes.

Submissions (3):

Labcorp Genetics (formerly Invitae), Labcorp
Classification: Uncertain significance. Last evaluated: 2022-09-06. Review status: criteria provided, single submitter. Criteria: Invitae Variant Classification Sherloc (09022015). Collection method: clinical testing. Allele origin: germline.
Comment: This sequence change replaces alanine, which is neutral and non-polar, with aspartic acid, which is acidic and polar, at codon 422 of the MME protein (p.Ala422Asp). This variant is present in population databases (rs777476150, gnomAD 0.004%). This missense change has been observed in individual(s) with clinical features of Charcot-Marie-Tooth disease (PMID: 27588448; Invitae). It has also been observed to segregate with disease in related individuals. ClinVar contains an entry for this variant (Variation ID: 265744). Algorithms developed to predict the effect of missense changes on protein structure and function (SIFT, PolyPhen-2, Align-GVGD) all suggest that this variant is likely to be disruptive. In summary, the available evidence is currently insufficient to determine the role of this variant in disease. Therefore, it has been classified as a Variant of Uncertain Significance.

GeneDx
Classification: Uncertain significance. Last evaluated: 2022-06-23. Review status: criteria provided, single submitter. Criteria: GeneDx Variant Classification Process June 2021. Collection method: clinical testing. Allele origin: germline. Affected: yes.
Comment: Reported in an individual and their father with peripheral neuropathy and Charcot-Marie-Tooth disease type 2 respectively (Auer-Grumbach et al., 2016); Published functional studies suggest p.(A422D) results in decreased protein activity (Auer-Grumbach et al., 2016); In silico analysis supports that this missense variant has a deleterious effect on protein structure/function; This variant is associated with the following publications: (PMID: 34480178, 33144514, 27588448)

OMIM
Classification: risk factor for CHARCOT-MARIE-TOOTH DISEASE, AXONAL, TYPE 2T, SUSCEPTIBILITY TO. Last evaluated: 2016-10-06. Review status: no assertion criteria provided. Collection method: literature only. Allele origin: germline. Not counted in ClinVar's aggregate classification.

Literature cited by the submitters: PubMed 27588448 (cited by Labcorp Genetics (formerly Invitae), Labcorp and OMIM).